The following is an entry in ClinVar:

ClinVar aggregate classification (germline): Uncertain significance (1 of 4 stars; one submission).

Conditions:
Neonatal-onset encephalopathy with rigidity and seizures. Also called: Lethal neonatal spasticity-epileptic encephalopathy syndrome. Identifiers: Orphanet 435845, MedGen C3281029, MONDO:0013784, OMIM 614498.

Allele frequency attached by ClinVar (database versions not stated): gnomAD exomes below 0.00001.
gnomAD v4.1: 2 of 1,610,216 alleles (0.00012%); highest among the groups gnomAD compares: East Asian, 0.0022%; no homozygotes.

Submission:

Labcorp Genetics (formerly Invitae), Labcorp
Classification: Uncertain significance for Neonatal-onset encephalopathy with rigidity and seizures. Last evaluated: 2019-12-13. Review status: criteria provided, single submitter. Criteria: Invitae Variant Classification Sherloc (09022015). Collection method: clinical testing. Allele origin: germline.
Comment: In summary, the available evidence is currently insufficient to determine the role of this variant in disease. Therefore, it has been classified as a Variant of Uncertain Significance. Algorithms developed to predict the effect of missense changes on protein structure and function are either unavailable or do not agree on the potential impact of this missense change (SIFT: "Deleterious"; PolyPhen-2: "Benign"; Align-GVGD: "Class C25"). This variant has not been reported in the literature in individuals with BRAT1-related conditions. This variant is not present in population databases (ExAC no frequency). This sequence change replaces tyrosine with cysteine at codon 675 of the BRAT1 protein (p.Tyr675Cys). The tyrosine residue is highly conserved and there is a large physicochemical difference between tyrosine and cysteine.

NM_152743.4(BRAT1):c.2024A>G (p.Tyr675Cys)

Gene: BRAT1 (BRCA1 associated ATM activator 1; minus strand). Cytogenetic location: 7p22.3.
Variant type: single nucleotide variant.
Coding change: c.2024A>G on transcript NM_152743.4 (MANE Select); coding-DNA position 2024, A replaced by G.
Protein change: p.Tyr675Cys; replaces tyrosine 675 with cysteine.
Molecular consequence: missense variant. On other transcripts: non-coding transcript variant (1).
Genome position (GRCh38, 1-based): chr7:2,538,511, T>C on the plus strand (A>G on the coding strand, the complement: BRAT1 is on the minus strand). VCF-style: chr7-2538511-T-C. GRCh37 (hg19) VCF-style: chr7-2578145-T-C.
Other names: c.2204A>G, p.Tyr735Cys (NM_001350626.2); c.1499A>G, p.Tyr500Cys (NM_001350627.2); short protein forms Y500C, Y675C, Y735C.
Identifiers: ClinVar variation 851929 (VCV000851929.9), dbSNP rs978884737, ClinGen allele CA366624931.